The following is an entry in ClinVar:

ClinVar aggregate classification (germline): Pathogenic (1 of 4 stars; one submission).

Conditions:
Neurofibromatosis, type 1 (NF1). Also called: Peripheral type neurofibromatosis; VON RECKLINGHAUSEN DISEASE; NEUROFIBROMATOSIS, TYPE I, SOMATIC; Neurofibromatosis, type I. Identifiers: Orphanet 636, MedGen C0027831, MONDO:0018975, OMIM 162200. Disease mechanism: loss of function.

Submission:

Labcorp Genetics (formerly Invitae), Labcorp
Classification: Pathogenic for Neurofibromatosis, type 1. Last evaluated: 2018-04-23. Review status: criteria provided, single submitter. Criteria: Invitae Variant Classification Sherloc (09022015). Collection method: clinical testing. Allele origin: germline.
Comment: This variant is an out-of-frame deletion of the genomic region encompassing exon 39 of the NF1 gene. This is expected to create a premature translational stop signal and result in an absent or disrupted protein product. This variant has been reported in individuals affected with neurofibromatosis type 1 (PMID: 16283621). This variant is also known as deletion of exon 31 1n the literature. Loss-of-function variants in NF1 are known to be pathogenic (PMID: 10712197, 23913538). For these reasons, this variant has been classified as Pathogenic.

Literature cited by the submitters: PubMed 16283621.

NC_000017.11:g.(?_31334828)_(31335041_?)del

Gene: NF1 (neurofibromin 1; plus strand). Cytogenetic location: 17q11.2.
Variant type: Deletion.
Identifiers: ClinVar variation 583626 (VCV000583626.1).